The following is an entry in ClinVar:

ClinVar aggregate classification (germline): Uncertain significance (1 of 4 stars; one submission).

gnomAD v4.1: 5 of 1,613,938 alleles (0.00031%); highest among the groups gnomAD compares: Non-Finnish European, 0.00042%; no homozygotes.

Submission:

CeGaT Center for Human Genetics Tuebingen
Classification: Uncertain significance. Last evaluated: 2026-09-01. Review status: criteria provided, single submitter. Criteria: CeGaT Center For Human Genetics Tuebingen Variant Classification Criteria Version 2. Collection method: clinical testing. Allele origin: germline. Affected: yes. Observed: 1 variant allele.
Comment: FAT2: PM2:Supporting, PP2

NM_001447.3(FAT2):c.5537G>A (p.Gly1846Glu)

Genes: FAT2 (FAT atypical cadherin 2; minus strand), SLC36A1 (solute carrier family 36 member 1; plus strand). Cytogenetic location: 5q33.1.
Variant type: single nucleotide variant.
Coding change: c.5537G>A on transcript NM_001447.3 (MANE Select); coding-DNA position 5537, G replaced by A.
Protein change: p.Gly1846Glu; replaces glycine 1846 with glutamic acid.
Molecular consequence: missense variant.
Genome position (GRCh38, 1-based): chr5:151,545,590, C>T on the plus strand (G>A on the coding strand, the complement: FAT2 is on the minus strand). VCF-style: chr5-151545590-C-T. GRCh37 (hg19) VCF-style: chr5-150925151-C-T.
Other names: short protein forms G1846E.
Identifiers: ClinVar variation 5039396 (VCV005039396.1).